The following is an entry in ClinVar:

NM_000293.3(PHKB):c.2532G>A (p.Glu844=)

Gene: PHKB (phosphorylase kinase regulatory subunit beta; plus strand). Cytogenetic location: 16q12.1.
Variant type: single nucleotide variant.
Coding change: c.2532G>A on transcript NM_000293.3 (MANE Select); coding-DNA position 2532, G replaced by A.
Protein change: p.Glu844=; no amino-acid change (glutamic acid 844 retained).
Molecular consequence: synonymous variant.
Genome position (GRCh38, 1-based): chr16:47,669,319, G>A. VCF-style: chr16-47669319-G-A. GRCh37 (hg19) VCF-style: chr16-47703230-G-A.
Other names: c.2511G>A, p.Glu837= (NM_001031835.3); c.2532G>A, p.Glu844= (NM_001363837.1); c.2511G>A (NM_001031835.2).
Identifiers: ClinVar variation 714701 (VCV000714701.14), dbSNP rs140117779, ClinGen allele CA8041265.

ClinVar aggregate classification (germline): Benign/Likely benign. Review status: criteria provided, multiple submitters, no conflicts (2 of 4 stars). 4 submissions from 4 submitters: Benign (2); Likely benign (1). 1 of the submissions does not count toward it. Last evaluated 2026-01-25.

Conditions:
PHKB-related disorder. Also called: PHKB-related condition.
Glycogen storage disease IXb (GSD9B). Also called: GLYCOGENOSIS OF LIVER AND MUSCLE, AUTOSOMAL RECESSIVE; GSD IXb; PHOSPHORYLASE KINASE DEFICIENCY OF LIVER AND MUSCLE, AUTOSOMAL RECESSIVE. Identifiers: Orphanet 79240, MedGen C0543514, MONDO:0009868, OMIM 261750.

Allele frequency attached by ClinVar (database versions not stated): gnomAD exomes 0.00024; ExAC 0.00027; 1000 Genomes Project 30x 0.00031; 1000 Genomes Project 0.00040; TOPMed 0.00082; gnomAD 0.00085 and 0.00088; ESP Exome Variant Server 0.00146.
gnomAD v4.1: 238 of 1,614,086 alleles (0.015%); highest among the groups gnomAD compares: African/African-American, 0.29%; 1 homozygote.

Submissions (4):

Labcorp Genetics (formerly Invitae), Labcorp
Classification: Benign for Glycogen storage disease IXb. Last evaluated: 2026-01-25. Review status: criteria provided, single submitter. Criteria: Invitae Variant Classification Sherloc (09022015). Collection method: clinical testing. Allele origin: germline.

Blueprint Genetics
Classification: Likely benign. Last evaluated: 2024-02-15. Review status: criteria provided, single submitter. Criteria: ACMG Guidelines, 2015. Collection method: clinical testing. Allele origin: germline.

Breakthrough Genomics
Classification: Benign. Review status: criteria provided, single submitter. Criteria: ACMG Guidelines, 2015. Collection method: not provided. Allele origin: germline. Inheritance: Autosomal recessive inheritance. Affected: yes.

PreventionGenetics, part of Exact Sciences
Classification: Likely benign for PHKB-related condition. Last evaluated: 2024-02-06. Review status: no assertion criteria provided. Collection method: clinical testing. Allele origin: germline. Not counted in ClinVar's aggregate classification.
Comment: This variant is classified as likely benign based on ACMG/AMP sequence variant interpretation guidelines (Richards et al. 2015 PMID: 25741868, with internal and published modifications).